The following is an entry in ClinVar:

NM_000382.3(ALDH3A2):c.984G>C (p.Met328Ile)

Gene: ALDH3A2 (aldehyde dehydrogenase 3 family member A2; plus strand). Cytogenetic location: 17p11.2.
Variant type: single nucleotide variant.
Coding change: c.984G>C on transcript NM_000382.3 (MANE Select); coding-DNA position 984, G replaced by C.
Protein change: p.Met328Ile; replaces methionine 328 with isoleucine.
Molecular consequence: missense variant.
Genome position (GRCh38, 1-based): chr17:19,663,376, G>C. VCF-style: chr17-19663376-G-C. GRCh37 (hg19) VCF-style: chr17-19566689-G-C.
Other names: c.984G>C, p.Met328Ile (NM_001031806.2, NM_001369136.1, NM_001369137.2 and 3 more transcripts); c.405G>C, p.Met135Ile (NM_001369148.2); short protein forms M135I, M328I.
Identifiers: ClinVar variation 3336402 (VCV003336402.1).

ClinVar aggregate classification (germline): Uncertain significance (1 of 4 stars; one submission).

gnomAD v4.1: 3 of 1,614,188 alleles (0.00019%); highest among the groups gnomAD compares: Non-Finnish European, 0.00025%; no homozygotes.

Submission:

Women's Health and Genetics/Laboratory Corporation of America, LabCorp
Classification: Uncertain significance. Last evaluated: 2024-05-31. Review status: criteria provided, single submitter. Criteria: LabCorp Variant Classification Summary - May 2015. Collection method: clinical testing. Allele origin: germline.
Comment: Variant summary: ALDH3A2 c.984G>C (p.Met328Ile) results in a conservative amino acid change located in the aldehyde dehydrogenase domain (IPR015590) of the encoded protein sequence. Four of five in-silico tools predict a damaging effect of the variant on protein function. The variant was absent in 251420 control chromosomes. c.984G>C has been reported in the literature in the homozygous state in at least one individual affected with Sjogren-Larsson Syndrome (e.g. Rizzo_1999). These data indicate that the variant may be associated with disease. To our knowledge, no experimental evidence demonstrating an impact on protein function has been reported. The following publication have been ascertained in the context of this evaluation (PMID: 10577908). No submitters have cited clinical-significance assessments for this variant to ClinVar. Based on the evidence outlined above, the variant was classified as VUS-possibly pathogenic.

Literature cited by the submitters: PubMed 10577908.